The following is an entry in ClinVar:

NM_000182.5(HADHA):c.70dup (p.Tyr24fs)

Gene: HADHA (hydroxyacyl-CoA dehydrogenase trifunctional multienzyme complex subunit alpha; minus strand). Cytogenetic location: 2p23.3.
Variant type: Duplication.
Coding change: c.70dup on transcript NM_000182.5 (MANE Select); coding-DNA position 70, one base duplicated (T; older notation c.70dupT).
Protein change: p.Tyr24fs; shifts the reading frame from tyrosine 24.
Molecular consequence: frameshift variant.
Genome position (GRCh38, 1-based): chr2:26,239,141, A duplicated on the plus strand (T on the coding strand, the reverse complement: HADHA is on the minus strand); the first of 2 consecutive A bases (chr2:26,239,141-26,239,142); duplicating either gives the same sequence. VCF-style (leftmost placement, unchanged base first): chr2-26239140-T-TA. GRCh37 (hg19) VCF-style: chr2-26462008-T-TA.
Other names: short protein forms Y24fs.
Identifiers: ClinVar variation 2937105 (VCV002937105.3), dbSNP rs2465609398, ClinGen allele CA2740092757.

ClinVar aggregate classification (germline): Pathogenic (1 of 4 stars; one submission).

Conditions:
Mitochondrial trifunctional protein deficiency. Identifiers: Orphanet 746, MedGen C1969443, MONDO:0012172.
Long chain 3-hydroxyacyl-CoA dehydrogenase deficiency. Also called: LCHAD Deficiency; Deficiency of long-chain 3-hydroxyacyl-coenzyme A dehydrogenase. Identifiers: Orphanet 5, MedGen C3711645, MONDO:0012173, OMIM 609016.

Submission:

Labcorp Genetics (formerly Invitae), Labcorp
Classification: Pathogenic for Mitochondrial trifunctional protein deficiency; Long chain 3-hydroxyacyl-CoA dehydrogenase deficiency. Last evaluated: 2023-11-18. Review status: criteria provided, single submitter. Criteria: Invitae Variant Classification Sherloc (09022015). Collection method: clinical testing. Allele origin: germline.
Comment: This sequence change creates a premature translational stop signal (p.Tyr24Leufs*19) in the HADHA gene. It is expected to result in an absent or disrupted protein product. Loss-of-function variants in HADHA are known to be pathogenic (PMID: 7738175, 21103935, 21549624, 22459206). This variant is not present in population databases (gnomAD no frequency). This variant has not been reported in the literature in individuals affected with HADHA-related conditions. For these reasons, this variant has been classified as Pathogenic.

Literature cited by the submitters: PubMed 7738175; PubMed 21103935; PubMed 21549624; PubMed 22459206.